The following is an entry in ClinVar:

Conditions:
Breast-ovarian cancer, familial, susceptibility to, 1 (BROVCA1). Also called: BRCA1 Hereditary Breast and Ovarian Cancer; OVARIAN CANCER, SUSCEPTIBILITY TO. Identifiers: Orphanet 145, MedGen C2676676, MONDO:0011450, OMIM 604370. Disease mechanism: loss of function.

Submission:

Brotman Baty Institute, University of Washington
No classification provided (evidence only). Condition: Breast-ovarian cancer, familial 1. Review status: no classification provided. Collection method: in vitro. Allele origin: not applicable. Functional consequence: functionally_normal.
ClinVar note: "not provided" was previously submitted as the classification for the variant. However, the classification appeared to be based only on an observation of functional data so it was converted to no classification on 2025-07-30.

NM_007294.4(BRCA1):c.5474G>T (p.Gly1825Val)

Gene: BRCA1 (BRCA1 DNA repair associated; minus strand). Cytogenetic location: 17q21.31.
Variant type: single nucleotide variant.
Coding change: c.5474G>T on transcript NM_007294.4 (MANE Select); coding-DNA position 5474, G replaced by T.
Protein change: p.Gly1825Val; replaces glycine 1825 with valine.
Molecular consequence: missense variant. On other transcripts: non-coding transcript variant (1).
Genome position (GRCh38, 1-based): chr17:43,045,796, C>A on the plus strand (G>T on the coding strand, the complement: BRCA1 is on the minus strand). VCF-style: chr17-43045796-C-A. GRCh37 (hg19) VCF-style: chr17-41197813-C-A.
Other names: c.5330G>T, p.Gly1777Val (NM_001407732.1, NM_001407733.1, NM_001407734.1 and 18 more transcripts); c.5327G>T, p.Gly1776Val (NM_001407838.1, NM_001407839.1, NM_001407841.1 and 12 more transcripts); c.5261G>T, p.Gly1754Val (NM_001407896.1, NM_001407897.1, NM_001407898.1 and 12 more transcripts); c.5271G>T, p.Trp1757Cys (NM_001407941.1); c.5259G>T, p.Trp1753Cys (NM_001407942.1); c.5256G>T, p.Trp1752Cys (NM_001407943.1, NM_001407944.1, NM_001407945.1); c.5141G>T, p.Gly1714Val (NM_001407946.1, NM_001407947.1, NM_001407948.1 and 1 more transcripts); c.5138G>T, p.Gly1713Val (NM_001407950.1, NM_001407951.1, NM_001407952.1 and 3 more transcripts); and 83 more; short protein forms G1846V, G1825V, W696C, G721V, G1778V, G1529V, G1714V, G1782V.
Identifiers: ClinVar variation 868571 (VCV000868571.3), dbSNP rs2050888423, ClinGen allele CA10590380.
Genomic context (GRCh38, chr17:43,045,796, plus strand): 5'-TAGAGTGCTACACTGTCCAACACCCACTCTCGGGTCACCACAGGTGCCTCACACATCTGC[C>A]CAATTGCTGGAGACAGAGAACACAAGCAGAGATTAGTGTCAATTCATTCTCCTGGACTAG-3'
Protein context (NP_009225.1, residues 1815-1835): WTEDNGFHAI[Gly1825Val]QMCEAPVVTR